The following is an entry in ClinVar:

ClinVar aggregate classification (germline): Uncertain significance. Review status: criteria provided, multiple submitters, no conflicts (2 of 4 stars). 2 submissions from 2 submitters: Uncertain significance (2). Last evaluated 2025-02-05.

Conditions:
Inborn genetic diseases. Identifiers: MedGen C0950123, MeSH D030342.
Fanconi anemia (FA). Also called: Fanconi's anemia. Identifiers: Orphanet 84, MedGen C0015625, MeSH D005199, MONDO:0019391.

Allele frequency attached by ClinVar (database versions not stated): gnomAD exomes below 0.00001.

Submissions (2):

Ambry Genetics
Classification: Uncertain significance for Inborn genetic diseases. Last evaluated: 2025-02-05. Review status: criteria provided, single submitter. Criteria: Ambry Variant Classification Scheme 2023. Collection method: clinical testing. Allele origin: germline.
Comment: The p.W181R variant (also known as c.541T>C), located in coding exon 2 of the FANCM gene, results from a T to C substitution at nucleotide position 541. The tryptophan at codon 181 is replaced by arginine, an amino acid with dissimilar properties. This amino acid position is conserved. In addition, the in silico prediction for this alteration is inconclusive. Based on the available evidence, the clinical significance of this variant remains unclear.

Labcorp Genetics (formerly Invitae), Labcorp
Classification: Uncertain significance for Fanconi anemia. Last evaluated: 2020-02-05. Review status: criteria provided, single submitter. Criteria: Invitae Variant Classification Sherloc (09022015). Collection method: clinical testing. Allele origin: germline.
Comment: In summary, the available evidence is currently insufficient to determine the role of this variant in disease. Therefore, it has been classified as a Variant of Uncertain Significance. Algorithms developed to predict the effect of missense changes on protein structure and function are either unavailable or do not agree on the potential impact of this missense change (SIFT: "Deleterious"; PolyPhen-2: "Probably Damaging"; Align-GVGD: "Class C0"). This variant has not been reported in the literature in individuals with FANCM-related conditions. This variant is not present in population databases (ExAC no frequency). This sequence change replaces tryptophan with arginine at codon 181 of the FANCM protein (p.Trp181Arg). The tryptophan residue is highly conserved and there is a moderate physicochemical difference between tryptophan and arginine.

NM_020937.4(FANCM):c.541T>C (p.Trp181Arg)

Gene: FANCM (FA complementation group M; plus strand). Cytogenetic location: 14q21.2.
Variant type: single nucleotide variant.
Coding change: c.541T>C on transcript NM_020937.4 (MANE Select); coding-DNA position 541, T replaced by C.
Protein change: p.Trp181Arg; replaces tryptophan 181 with arginine.
Molecular consequence: missense variant.
Genome position (GRCh38, 1-based): chr14:45,137,101, T>C. VCF-style: chr14-45137101-T-C. GRCh37 (hg19) VCF-style: chr14-45606304-T-C.
Other names: c.541T>C (NM_020937.2); c.541T>C, p.Trp181Arg (NM_001308133.2, NM_001308134.2); short protein forms W181R.
Identifiers: ClinVar variation 998833 (VCV000998833.9), dbSNP rs1885571765, ClinGen allele CA389588674.